The following is an entry in ClinVar:

ClinVar aggregate classification (germline): Likely benign (1 of 4 stars; one submission).

Allele frequency attached by ClinVar (database versions not stated): gnomAD exomes below 0.00001.
gnomAD v4.1: 1 of 1,613,636 alleles (0.000062%); highest among the groups gnomAD compares: Non-Finnish European, 0.000085%; no homozygotes.

Submission:

CeGaT Center for Human Genetics Tuebingen
Classification: Likely benign. Last evaluated: 2023-06-01. Review status: criteria provided, single submitter. Criteria: CeGaT Center For Human Genetics Tuebingen Variant Classification Criteria Version 2. Collection method: clinical testing. Allele origin: germline. Affected: yes. Observed: 1 variant allele.
Comment: EGFR: PM2:Supporting, BP4, BP7

NM_005228.5(EGFR):c.1881-658G>A

Gene: EGFR (epidermal growth factor receptor; plus strand). Cytogenetic location: 7p11.2.
Variant type: single nucleotide variant.
Coding change: c.1881-658G>A on transcript NM_005228.5 (MANE Select); 658 bases into the intron before coding-DNA position 1881, G replaced by A.
Molecular consequence: intron variant. On other transcripts: synonymous variant (1).
Genome position (GRCh38, 1-based): chr7:55,170,517, G>A. VCF-style: chr7-55170517-G-A. GRCh37 (hg19) VCF-style: chr7-55238210-G-A.
Other names: c.2091G>A, p.Val697= (NM_201284.2); c.1746-658G>A (NM_001346899.2, NM_001346897.2); c.1080-658G>A (NM_001346941.2); c.1881-658G>A (NM_001346898.2); c.1722-658G>A (NM_001346900.2).
Identifiers: ClinVar variation 2657508 (VCV002657508.24), dbSNP rs1584217100, ClinGen allele CA1708916131.